The following is an entry in ClinVar:

NM_181789.4(GLDN):c.1561G>A (p.Ala521Thr)

Gene: GLDN (gliomedin; plus strand). Cytogenetic location: 15q21.2.
Variant type: single nucleotide variant.
Coding change: c.1561G>A on transcript NM_181789.4 (MANE Select); coding-DNA position 1561, G replaced by A.
Protein change: p.Ala521Thr; replaces alanine 521 with threonine.
Molecular consequence: missense variant.
Genome position (GRCh38, 1-based): chr15:51,404,659, G>A. VCF-style: chr15-51404659-G-A. GRCh37 (hg19) VCF-style: chr15-51696856-G-A.
Other names: c.1189G>A, p.Ala397Thr (NM_001330297.2); short protein forms A397T, A521T.
Identifiers: ClinVar variation 1223296 (VCV001223296.6), dbSNP rs75780940, ClinGen allele CA7560779.

ClinVar aggregate classification (germline): Benign. Review status: criteria provided, multiple submitters, no conflicts (2 of 4 stars). 3 submissions from 3 submitters: Benign (2). 1 of the submissions does not count toward it. Last evaluated 2021-05-05.

Conditions:
GLDN-related disorder. Also called: GLDN-related condition.

Allele frequency attached by ClinVar (database versions not stated): ESP Exome Variant Server 0.00062; gnomAD exomes 0.00517 and 0.01730; gnomAD 0.00704 and 0.00822; TOPMed 0.01227; ExAC 0.01499; 1000 Genomes Project 30x 0.02608; 1000 Genomes Project 0.02756.
gnomAD v4.1: 9,052 of 1,611,676 alleles (0.56%); highest among the groups gnomAD compares: East Asian, 11%; 430 homozygotes.

Submissions (3):

GeneDx
Classification: Benign. Last evaluated: 2021-05-05. Review status: criteria provided, single submitter. Criteria: GeneDx Variant Classification Process June 2021. Collection method: clinical testing. Allele origin: germline. Affected: yes.

Breakthrough Genomics
Classification: Benign. Review status: criteria provided, single submitter. Criteria: ACMG Guidelines, 2015. Collection method: not provided. Allele origin: germline. Inheritance: Autosomal recessive inheritance. Affected: yes.

PreventionGenetics, part of Exact Sciences
Classification: Benign for GLDN-related condition. Last evaluated: 2019-06-03. Review status: no assertion criteria provided. Collection method: clinical testing. Allele origin: germline. Not counted in ClinVar's aggregate classification.
Comment: This variant is classified as benign based on ACMG/AMP sequence variant interpretation guidelines (Richards et al. 2015 PMID: 25741868, with internal and published modifications).